The following is an entry in ClinVar:

ClinVar aggregate classification (germline): Uncertain significance (1 of 4 stars; one submission).

Allele frequency attached by ClinVar (database versions not stated): gnomAD exomes below 0.00001; TOPMed 0.00002.
gnomAD v4.1: 4 of 1,495,024 alleles (0.00027%); highest among the groups gnomAD compares: Non-Finnish European, 0.00035%; no homozygotes.

Submission:

Labcorp Genetics (formerly Invitae), Labcorp
Classification: Uncertain significance. Last evaluated: 2025-10-29. Review status: criteria provided, single submitter. Criteria: Invitae Variant Classification Sherloc (09022015). Collection method: clinical testing. Allele origin: germline.
Comment: This sequence change replaces cysteine, which is neutral and slightly polar, with serine, which is neutral and polar, at codon 592 of the TNFRSF11A protein (p.Cys592Ser). This variant is not present in population databases (gnomAD no frequency). This variant has not been reported in the literature in individuals affected with TNFRSF11A-related conditions. ClinVar contains an entry for this variant (Variation ID: 1933972). An algorithm developed to predict the effect of missense changes on protein structure and function outputs the following: PolyPhen-2: "Benign". The serine amino acid residue is found in multiple mammalian species, which suggests that this missense change does not adversely affect protein function. In summary, the available evidence is currently insufficient to determine the role of this variant in disease. Therefore, it has been classified as a Variant of Uncertain Significance.

NM_003839.4(TNFRSF11A):c.1775G>C (p.Cys592Ser)

Gene: TNFRSF11A (TNF receptor superfamily member 11a; plus strand). Cytogenetic location: 18q21.33.
Variant type: single nucleotide variant.
Coding change: c.1775G>C on transcript NM_003839.4 (MANE Select); coding-DNA position 1775, G replaced by C.
Protein change: p.Cys592Ser; replaces cysteine 592 with serine.
Molecular consequence: missense variant. On other transcripts: 3 prime UTR variant (1).
Genome position (GRCh38, 1-based): chr18:62,384,958, G>C. VCF-style: chr18-62384958-G-C. GRCh37 (hg19) VCF-style: chr18-60052191-G-C.
Other names: c.*199G>C (NM_001270949.2); c.938G>C, p.Cys313Ser (NM_001270950.2); c.824G>C, p.Cys275Ser (NM_001270951.2); c.1733G>C, p.Cys578Ser (NM_001278268.2); short protein forms C313S, C592S, C578S, C275S.
Identifiers: ClinVar variation 1933972 (VCV001933972.5), dbSNP rs891696319, ClinGen allele CA301714813.